The following is an entry in ClinVar:

NM_032578.4(MYPN):c.1722dup (p.Lys575fs)

Gene: MYPN (myopalladin; plus strand). Cytogenetic location: 10q21.3.
Variant type: Duplication.
Coding change: c.1722dup on transcript NM_032578.4 (MANE Select); coding-DNA position 1722, one base duplicated (C; older notation c.1722dupC).
Protein change: p.Lys575fs; shifts the reading frame from lysine 575.
Molecular consequence: frameshift variant. On other transcripts: non-coding transcript variant (2).
Genome position (GRCh38, 1-based): chr10:68,166,415, C duplicated; the last of 6 consecutive C bases (chr10:68,166,410-68,166,415); duplicating any one gives the same sequence. VCF-style (leftmost placement, unchanged base first): chr10-68166409-A-AC. GRCh37 (hg19) VCF-style: chr10-69926166-A-AC.
Other names: c.1722dup (NM_001256267.1); c.1722dup, p.Lys575fs (NM_001256267.2); c.840dup, p.Lys281fs (NM_001256268.2); short protein forms K281fs, K575fs.
Identifiers: ClinVar variation 1878937 (VCV001878937.2), dbSNP rs2134168183, ClinGen allele CA2580081725.

ClinVar aggregate classification (germline): Pathogenic/Likely pathogenic. Review status: criteria provided, multiple submitters, no conflicts (2 of 4 stars). 2 submissions from 2 submitters: Pathogenic (1); Likely pathogenic (1). Last evaluated 2024-12-19.

Conditions:
MYPN-related myopathy (CMYO24). Also called: Nemaline myopathy 11, autosomal recessive. Identifiers: MedGen C4479186, MONDO:0015023, OMIM 617336.

Submissions (2):

Genomic Medicine Center of Excellence, King Faisal Specialist Hospital and Research Centre
Classification: Likely pathogenic for MYPN-related myopathy. Last evaluated: 2024-12-19. Review status: criteria provided, single submitter. Criteria: ACMG Guidelines, 2015. Collection method: clinical testing. Allele origin: germline.

GeneDx
Classification: Pathogenic. Last evaluated: 2022-07-13. Review status: criteria provided, single submitter. Criteria: GeneDx Variant Classification Process June 2021. Collection method: clinical testing. Allele origin: germline. Affected: yes.
Comment: Frameshift variant predicted to result in protein truncation or nonsense mediated decay in a gene for which loss of function is a known mechanism of disease; Not observed at significant frequency in large population cohorts (gnomAD); Has not been previously published as pathogenic or benign to our knowledge